The following is an entry in ClinVar:

ClinVar aggregate classification (germline): Likely benign. Review status: criteria provided, single submitter (1 of 4 stars). 2 submissions from 2 submitters: Likely benign (1). 1 of the submissions does not count toward it. Last evaluated 2024-02-23.

Conditions:
LAMA5-related disorder. Also called: LAMA5-Related Disorders; LAMA5-related condition.

Allele frequency attached by ClinVar (database versions not stated): 1000 Genomes Project 30x 0.00016; gnomAD 0.00016; TOPMed 0.00019; 1000 Genomes Project 0.00020; ESP Exome Variant Server 0.00023; ExAC 0.00029.
gnomAD v4.1: 302 of 1,612,148 alleles (0.019%); highest among the groups gnomAD compares: Middle Eastern, 0.19%; 1 homozygote.

Submissions (2):

Labcorp Genetics (formerly Invitae), Labcorp
Classification: Likely benign. Last evaluated: 2024-02-23. Review status: criteria provided, single submitter. Criteria: Invitae Variant Classification Sherloc (09022015). Collection method: clinical testing. Allele origin: germline.

PreventionGenetics, part of Exact Sciences
Classification: Likely benign for LAMA5-related condition. Last evaluated: 2022-12-19. Review status: no assertion criteria provided. Collection method: clinical testing. Allele origin: germline. Not counted in ClinVar's aggregate classification.
Comment: This variant is classified as likely benign based on ACMG/AMP sequence variant interpretation guidelines (Richards et al. 2015 PMID: 25741868, with internal and published modifications).

NM_005560.6(LAMA5):c.4679G>A (p.Arg1560His)

Gene: LAMA5 (laminin subunit alpha 5; minus strand). Cytogenetic location: 20q13.33.
Variant type: single nucleotide variant.
Coding change: c.4679G>A on transcript NM_005560.6 (MANE Select); coding-DNA position 4679, G replaced by A.
Protein change: p.Arg1560His; replaces arginine 1560 with histidine.
Molecular consequence: missense variant.
Genome position (GRCh38, 1-based): chr20:62,327,984, C>T on the plus strand (G>A on the coding strand, the complement: LAMA5 is on the minus strand). VCF-style: chr20-62327984-C-T. GRCh37 (hg19) VCF-style: chr20-60903040-C-T.
Other names: c.4679G>A (NM_005560.4); short protein forms R1560H.
Identifiers: ClinVar variation 1642864 (VCV001642864.10), dbSNP rs137986729, ClinGen allele CA9942518.